The following is an entry in ClinVar:

ClinVar aggregate classification (germline): Likely benign (1 of 4 stars; one submission).

gnomAD v4.1: 112 of 1,605,446 alleles (0.007%); highest among the groups gnomAD compares: Admixed American, 0.0085%; no homozygotes.

Submission:

CeGaT Center for Human Genetics Tuebingen
Classification: Likely benign. Last evaluated: 2026-04-01. Review status: criteria provided, single submitter. Criteria: CeGaT Center For Human Genetics Tuebingen Variant Classification Criteria Version 2. Collection method: clinical testing. Allele origin: germline. Affected: yes. Observed: 1 variant allele.
Comment: CAMSAP1: BP4, BP7

NM_015447.4(CAMSAP1):c.1044C>T (p.Asp348=)

Gene: CAMSAP1 (calmodulin regulated spectrin associated protein 1; minus strand). Cytogenetic location: 9q34.3.
Variant type: single nucleotide variant.
Coding change: c.1044C>T on transcript NM_015447.4 (MANE Select); coding-DNA position 1044, C replaced by T.
Protein change: p.Asp348=; no amino-acid change (aspartic acid 348 retained).
Molecular consequence: synonymous variant.
Genome position (GRCh38, 1-based): chr9:135,850,138, G>A on the plus strand (C>T on the coding strand, the complement: CAMSAP1 is on the minus strand). VCF-style: chr9-135850138-G-A. GRCh37 (hg19) VCF-style: chr9-138741984-G-A.
Other names: c.210C>T, p.Asp70= (NM_001411031.1); c.1077C>T, p.Asp359= (NM_001437279.1); c.612C>T, p.Asp204= (NM_001437280.1); c.447C>T, p.Asp149= (NM_001437281.1).
Identifiers: ClinVar variation 4872258 (VCV004872258.2).